The following is an entry in ClinVar:

ClinVar aggregate classification (germline): Benign (1 of 4 stars; one submission).

Allele frequency attached by ClinVar (database versions not stated): 1000 Genomes Project 30x 0.08666; 1000 Genomes Project 0.08806; TOPMed 0.11111; gnomAD 0.11427; gnomAD exomes 0.22527.
gnomAD v4.1: 17,399 of 152,424 alleles (11%); highest among the groups gnomAD compares: Middle Eastern, 18%; 1,183 homozygotes.

Submission:

GeneDx
Classification: Benign. Last evaluated: 2018-06-23. Review status: criteria provided, single submitter. Criteria: GeneDx Variant Classification Process June 2021. Collection method: clinical testing. Allele origin: germline. Affected: yes.
Comment: This variant is associated with the following publications: (PMID: 24710284)

NC_000002.12:g.189784079G>T

Genes: ORMDL1 (ORMDL sphingolipid biosynthesis regulator 1; minus strand), PMS1 (PMS1 homolog 1, mismatch repair system component; plus strand). Cytogenetic location: 2q32.2.
Variant type: single nucleotide variant.
Molecular consequence: intron variant (on NM_016467.5).
Genome position: GRCh38 VCF-style: chr2-189784079-G-T. GRCh37 (hg19) VCF-style: chr2-190648805-G-T.
Other names: c.-8+190C>A (NM_001371387.1, NM_001371384.1, NM_001371385.1 and 1 more transcripts); c.-118+190C>A (NM_001371386.1, NM_016467.5).
Identifiers: ClinVar variation 369322 (VCV000369322.7), dbSNP rs5742926, ClinGen allele CA10654614.